The following is an entry in ClinVar:

NM_016148.5(SHANK1):c.1296G>A (p.Pro432=)

Gene: SHANK1 (SH3 and multiple ankyrin repeat domains 1; minus strand). Cytogenetic location: 19q13.33.
Variant type: single nucleotide variant.
Coding change: c.1296G>A on transcript NM_016148.5 (MANE Select); coding-DNA position 1296, G replaced by A.
Protein change: p.Pro432=; no amino-acid change (proline 432 retained).
Molecular consequence: synonymous variant.
Genome position (GRCh38, 1-based): chr19:50,703,757, C>T on the plus strand (G>A on the coding strand, the complement: SHANK1 is on the minus strand). VCF-style: chr19-50703757-C-T. GRCh37 (hg19) VCF-style: chr19-51207014-C-T.
Identifiers: ClinVar variation 2650363 (VCV002650363.24), dbSNP rs759165431, ClinGen allele CA9601894.
Genomic context (GRCh38, chr19:50,703,757, plus strand): 5'-GGAGAACACCATCCAGTCGGGCAGCGCCATGCTGGTGTCACTGTTGGCCCGCAGCAGCGC[C>T]GGGGGCACCGTCAGCCCTGTGCCTGGGGGCCCCCGTCGCCGGGCCGCGTACTTGGGGGAC-3'
Protein context (NP_057232.2, residues 422-442): GPPGTGLTVP[Pro432=]ALLRANSDTS

ClinVar aggregate classification (germline): Likely benign (1 of 4 stars; one submission).

Allele frequency attached by ClinVar (database versions not stated): gnomAD 0.00007; gnomAD exomes 0.00007; TOPMed 0.00009.
gnomAD v4.1: 106 of 1,432,722 alleles (0.0074%); highest among the groups gnomAD compares: African/African-American, 0.014%; no homozygotes.

Submission:

CeGaT Center for Human Genetics Tuebingen
Classification: Likely benign. Last evaluated: 2022-10-01. Review status: criteria provided, single submitter. Criteria: CeGaT Center For Human Genetics Tuebingen Variant Classification Criteria Version 2. Collection method: clinical testing. Allele origin: germline. Affected: yes. Observed: 1 variant allele.
Comment: SHANK1: BP4, BP7